The following is an entry in ClinVar:

NM_001278116.2(L1CAM):c.2260T>C (p.Trp754Arg)

Gene: L1CAM (L1 cell adhesion molecule; minus strand). Cytogenetic location: Xq28.
Variant type: single nucleotide variant.
Coding change: c.2260T>C on transcript NM_001278116.2 (MANE Select); coding-DNA position 2260, T replaced by C.
Protein change: p.Trp754Arg; replaces tryptophan 754 with arginine.
Molecular consequence: missense variant.
Genome position (GRCh38, 1-based): chrX:153,866,820, A>G on the plus strand (T>C on the coding strand, the complement: L1CAM is on the minus strand). VCF-style: chrX-153866820-A-G. GRCh37 (hg19) VCF-style: chrX-153132275-A-G.
Other names: c.2260T>C, p.Trp754Arg (NM_000425.5, NM_024003.3); c.2245T>C, p.Trp749Arg (NM_001143963.2); short protein forms W749R, W754R.
Identifiers: ClinVar variation 2105422 (VCV002105422.4), dbSNP rs2148495173, ClinGen allele CA415120643.
Genomic context (GRCh38, chrX:153,866,820, plus strand): 5'-CCAGGAAGGGGTCGCTGACAATCTGCTCCTGCCAGGGCCCTCGTGTCCCCTGAGGGCGCC[A>G]CTGCACGCGGTACTGAACCTGGGGGGCGTTCCAGTCCATCCACCGGAGCGGCTGGAGGAG-3'
Protein context (NP_001265045.1, residues 744-764): NAPQVQYRVQ[Trp754Arg]RPQGTRGPWQ

ClinVar aggregate classification (germline): Uncertain significance (1 of 4 stars; one submission).

Conditions:
Spastic paraplegia. Identifiers: MedGen C0037772, HP:0001258.

Submission:

Labcorp Genetics (formerly Invitae), Labcorp
Classification: Uncertain significance for Spastic paraplegia. Last evaluated: 2022-11-06. Review status: criteria provided, single submitter. Criteria: Invitae Variant Classification Sherloc (09022015). Collection method: clinical testing. Allele origin: germline.
Comment: In summary, the available evidence is currently insufficient to determine the role of this variant in disease. Therefore, it has been classified as a Variant of Uncertain Significance. Algorithms developed to predict the effect of missense changes on protein structure and function (SIFT, PolyPhen-2, Align-GVGD) all suggest that this variant is likely to be disruptive. This missense change has been observed in individual(s) with clinical features of L1 Syndrome (PMID: 19846429). This variant is not present in population databases (gnomAD no frequency). This sequence change replaces tryptophan, which is neutral and slightly polar, with arginine, which is basic and polar, at codon 754 of the L1CAM protein (p.Trp754Arg).

Literature cited by the submitters: PubMed 19846429.